The following is an entry in ClinVar:

ClinVar aggregate classification (germline): Pathogenic (1 of 4 stars; one submission).

Conditions:
Inflammatory skin and bowel disease, neonatal, 1. Identifiers: Orphanet 294023, MedGen C3280501, MONDO:0013693, OMIM 614328.

Submission:

Labcorp Genetics (formerly Invitae), Labcorp
Classification: Pathogenic for Inflammatory skin and bowel disease, neonatal, 1. Last evaluated: 2023-06-03. Review status: criteria provided, single submitter. Criteria: Invitae Variant Classification Sherloc (09022015). Collection method: clinical testing. Allele origin: germline.
Comment: For these reasons, this variant has been classified as Pathogenic. This variant has not been reported in the literature in individuals affected with ADAM17-related conditions. This variant is a gross deletion of the genomic region encompassing exon(s) 6-7 of the ADAM17 gene. This deletion is out-of-frame, and is expected to create a premature termination codon and result in an absent or disrupted protein product. Loss-of-function variants in ADAM17 are known to be pathogenic (PMID: 22010916, 25804906).

Literature cited by the submitters: PubMed 22010916; PubMed 25804906.

NC_000002.11:g.(?_9663358)_(9666393_?)del

Gene: ADAM17 (ADAM metallopeptidase domain 17; minus strand). Cytogenetic location: 2p25.1.
Variant type: Deletion.
Identifiers: ClinVar variation 2424649 (VCV002424649.4).